The following is an entry in ClinVar:

ClinVar aggregate classification (germline): Uncertain significance. Review status: criteria provided, multiple submitters, no conflicts (2 of 4 stars). 2 submissions from 2 submitters: Uncertain significance (2). Last evaluated 2024-09-08.

gnomAD v4.1: 8 of 1,614,028 alleles (0.0005%); highest among the groups gnomAD compares: Non-Finnish European, 0.00068%; no homozygotes.

Submissions (2):

Labcorp Genetics (formerly Invitae), Labcorp
Classification: Uncertain significance. Last evaluated: 2024-09-08. Review status: criteria provided, single submitter. Criteria: Invitae Variant Classification Sherloc (09022015). Collection method: clinical testing. Allele origin: germline.
Comment: This sequence change replaces threonine, which is neutral and polar, with alanine, which is neutral and non-polar, at codon 343 of the ADAMTS17 protein (p.Thr343Ala). This variant is present in population databases (no rsID available, gnomAD 0.002%). This missense change has been observed in individual(s) with Weill-Marchesani syndrome (PMID: 31726086). An algorithm developed to predict the effect of missense changes on protein structure and function (PolyPhen-2) suggests that this variant is likely to be disruptive. Experimental studies have shown that this missense change affects ADAMTS17 function (PMID: 31726086). In summary, the available evidence is currently insufficient to determine the role of this variant in disease. Therefore, it has been classified as a Variant of Uncertain Significance.

Blueprint Genetics
Classification: Uncertain significance. Last evaluated: 2024-06-12. Review status: criteria provided, single submitter. Criteria: ACMG Guidelines, 2015. Collection method: clinical testing. Allele origin: germline.

Literature cited by the submitters: PubMed 31726086 (cited by Labcorp Genetics (formerly Invitae), Labcorp).

NM_139057.4(ADAMTS17):c.1027A>G (p.Thr343Ala)

Gene: ADAMTS17 (ADAM metallopeptidase with thrombospondin type 1 motif 17; minus strand). Cytogenetic location: 15q26.3.
Variant type: single nucleotide variant.
Coding change: c.1027A>G on transcript NM_139057.4 (MANE Select); coding-DNA position 1027, A replaced by G.
Protein change: p.Thr343Ala; replaces threonine 343 with alanine.
Molecular consequence: missense variant.
Genome position (GRCh38, 1-based): chr15:100,261,483, T>C on the plus strand (A>G on the coding strand, the complement: ADAMTS17 is on the minus strand). VCF-style: chr15-100261483-T-C. GRCh37 (hg19) VCF-style: chr15-100801688-T-C.
Other names: short protein forms T343A.
Identifiers: ClinVar variation 3609731 (VCV003609731.3).